The following is an entry in ClinVar:

ClinVar aggregate classification (germline): Pathogenic (1 of 4 stars; one submission).

Conditions:
Combined immunodeficiency due to LRBA deficiency. Also called: Common variable immunodeficiency 8, with autoimmunity. Identifiers: Orphanet 445018, MedGen C3553512, MONDO:0013863, OMIM 614700.

Submission:

Labcorp Genetics (formerly Invitae), Labcorp
Classification: Pathogenic for Combined immunodeficiency due to LRBA deficiency. Last evaluated: 2025-10-11. Review status: criteria provided, single submitter. Criteria: Invitae Variant Classification Sherloc (09022015). Collection method: clinical testing. Allele origin: germline.
Comment: This sequence change creates a premature translational stop signal (p.Glu883*) in the LRBA gene. It is expected to result in an absent or disrupted protein product. Loss-of-function variants in LRBA are known to be pathogenic (PMID: 26206937, 26768763). This variant is not present in population databases (gnomAD no frequency). This variant has not been reported in the literature in individuals affected with LRBA-related conditions. Algorithms developed to predict the effect of sequence changes on RNA splicing suggest that this variant may disrupt the consensus splice site. For these reasons, this variant has been classified as Pathogenic.

Literature cited by the submitters: PubMed 26206937; PubMed 26768763.

NM_001364905.1(LRBA):c.2647G>T (p.Glu883Ter)

Gene: LRBA (LPS responsive beige-like anchor protein; minus strand). Cytogenetic location: 4q31.3.
Variant type: single nucleotide variant.
Coding change: c.2647G>T on transcript NM_001364905.1 (MANE Select); coding-DNA position 2647, G replaced by T.
Protein change: p.Glu883Ter; replaces glutamic acid 883 with a stop codon.
Molecular consequence: nonsense.
Genome position (GRCh38, 1-based): chr4:150,867,790, C>A on the plus strand (G>T on the coding strand, the complement: LRBA is on the minus strand). VCF-style: chr4-150867790-C-A. GRCh37 (hg19) VCF-style: chr4-151788942-C-A.
Other names: c.2647G>T, p.Glu883Ter (NM_001199282.3, NM_001367550.1, NM_001440430.1 and 2 more transcripts); short protein forms E883*.
Identifiers: ClinVar variation 4728156 (VCV004728156.1).
Genomic context (GRCh38, chr4:150,867,790, plus strand): 5'-TGACTGCATGGTAAAGCAGGATTCTGAATATGGCGTATACCATTTCTGTTATCTTTTGCT[C>A]ATCTGAATTCTTAGGATTAAAATAGCAGAGAGAAAGCATCCATTCTTGCCACACAGAGCA-3'